The following is an entry in ClinVar:

ClinVar aggregate classification (germline): other (0 of 4 stars; one submission).

Conditions:
Familial colorectal cancer. Identifiers: MedGen CN280943, MONDO:0023113. Disease mechanism: loss of function.

Submission:

Systems Biology Platform Zhejiang California International NanoSystems Institute
Classification: other for Familial colorectal cancer. Review status: no assertion criteria provided. Collection method: not provided. Allele origin: unknown.
ClinVar note: Converted during submission from cancer to other.

NM_000038.6(APC):c.-18-7698C>A

Gene: APC (APC regulator of WNT signaling pathway; plus strand). Cytogenetic location: 5q22.2.
Variant type: single nucleotide variant.
Coding change: c.-18-7698C>A on transcript NM_000038.6 (MANE Select); 7698 bases into the intron before 18 bases upstream of the start codon, C replaced by A.
Molecular consequence: intron variant.
Genome position (GRCh38, 1-based): chr5:112,747,175, C>A. VCF-style: chr5-112747175-C-A. GRCh37 (hg19) VCF-style: chr5-112082872-C-A.
Other names: c.-18-7698C>A (NM_001354895.2, NM_001127510.3, NM_001354896.2 and 2 more transcripts); c.166-19151C>A (NM_001354897.2, NM_001354902.2, NM_001127511.3); c.60+8715C>A (NM_001354898.2, NM_001354904.2); c.-1053-7698C>A (NM_001354906.2); c.-43+9250C>A (NM_001354900.2, NM_001354901.2, NM_001354905.2).
Identifiers: ClinVar variation 82787 (VCV000082787.2), dbSNP rs75603862, ClinGen allele CA006223.